The following is an entry in ClinVar:

NM_001184880.2(PCDH19):c.1209C>T (p.Ser403=)

Gene: PCDH19 (protocadherin 19; minus strand). Cytogenetic location: Xq22.1.
Variant type: single nucleotide variant.
Coding change: c.1209C>T on transcript NM_001184880.2 (MANE Select); coding-DNA position 1209, C replaced by T.
Protein change: p.Ser403=; no amino-acid change (serine 403 retained).
Molecular consequence: synonymous variant.
Genome position (GRCh38, 1-based): chrX:100,407,389, G>A on the plus strand (C>T on the coding strand, the complement: PCDH19 is on the minus strand). VCF-style: chrX-100407389-G-A. GRCh37 (hg19) VCF-style: chrX-99662387-G-A.
Other names: p.S403S:TCC>TCT; c.1209C>T, p.Ser403= (NM_001105243.2, NM_020766.3).
Identifiers: ClinVar variation 206294 (VCV000206294.14), dbSNP rs372006606, ClinGen allele CA316239.
Genomic context (GRCh38, chrX:100,407,389, plus strand): 5'-AATTGTGAGGTTGTATTGGTCGTGCTGCTCGCGGTCCAGCCGTCCGTCCACCAGAATAGT[G>A]GAGAAGCTCTCATATTCCTGCAGTCGAAAGGGCACATTGCCCAGCAAACGGCACTGCACA-3'
Protein context (NP_001171809.1, residues 393-413): PFRLQEYESF[Ser403=]TILVDGRLDR

ClinVar aggregate classification (germline): Conflicting classifications of pathogenicity. Review status: criteria provided, conflicting classifications (1 of 4 stars). 3 submissions from 3 submitters: Uncertain significance (1); Benign (1); Likely benign (1). Last evaluated 2025-10-10.

Conditions:
Developmental and epileptic encephalopathy, 9 (DEE9). Also called: PCDH19-Related X-Linked Female-Limited Epilepsy with Mental Retardation; Early infantile epileptic encephalopathy 9; JUBERG-HELLMAN SYNDROME; EPILEPSY, FEMALE-RESTRICTED, WITH MENTAL RETARDATION. Identifiers: Orphanet 101039, Orphanet 2076, MedGen C1848137, MONDO:0010246, OMIM 300088. Disease mechanism: loss of function.

Allele frequency attached by ClinVar (database versions not stated): ExAC 0.00005; gnomAD exomes 0.00006; ESP Exome Variant Server 0.00010; gnomAD 0.00018; TOPMed 0.00023; 1000 Genomes Project 0.00053; 1000 Genomes Project 30x 0.00062.
gnomAD v4.1: 40 of 1,211,054 alleles (0.0033%); highest among the groups gnomAD compares: African/African-American, 0.061%; no homozygotes.

Submissions (3):

Labcorp Genetics (formerly Invitae), Labcorp
Classification: Likely benign for Developmental and epileptic encephalopathy, 9. Last evaluated: 2025-10-10. Review status: criteria provided, single submitter. Criteria: Invitae Variant Classification Sherloc (09022015). Collection method: clinical testing. Allele origin: germline.

Eurofins Ntd Llc (ga)
Classification: Uncertain significance. Last evaluated: 2015-11-11. Review status: criteria provided, single submitter. Criteria: EGL Classification Definitions 2015. Collection method: clinical testing. Allele origin: germline. Observed: 1 variant allele, 1 heterozygote.

GeneDx
Classification: Benign. Last evaluated: 2014-12-16. Review status: criteria provided, single submitter. Criteria: GeneDx Variant Classification (06012015). Collection method: clinical testing. Allele origin: germline. Affected: yes.
Comment: This variant is considered likely benign or benign based on one or more of the following criteria: it is a conservative change, it occurs at a poorly conserved position in the protein, it is predicted to be benign by multiple in silico algorithms, and/or has population frequency not consistent with disease.